The following is an entry in ClinVar:

NM_005245.4(FAT1):c.2431G>A (p.Val811Met)

Gene: FAT1 (FAT atypical cadherin 1; minus strand). Cytogenetic location: 4q35.2.
Variant type: single nucleotide variant.
Coding change: c.2431G>A on transcript NM_005245.4 (MANE Select); coding-DNA position 2431, G replaced by A.
Protein change: p.Val811Met; replaces valine 811 with methionine.
Molecular consequence: missense variant.
Genome position (GRCh38, 1-based): chr4:186,707,397, C>T on the plus strand (G>A on the coding strand, the complement: FAT1 is on the minus strand). VCF-style: chr4-186707397-C-T. GRCh37 (hg19) VCF-style: chr4-187628551-C-T.
Other names: short protein forms V811M.
Identifiers: ClinVar variation 2973474 (VCV002973474.2), dbSNP rs765982067, ClinGen allele CA3167258.
Genomic context (GRCh38, chr4:186,707,397, plus strand): 5'-CTTCCACAAAATAGCTCTCCTGTAAAAACTCGGGTGGATTATCATTGGCATCGACAACCA[C>T]GACATGTAGAAGACGCCACGCAGCCTTCTGGGGTATCCCAAGGTCATAGACGGTAATATT-3'
Protein context (NP_005236.2, residues 801-821): QKAAWRLLHV[Val811Met]VVDANDNPPE

ClinVar aggregate classification (germline): Uncertain significance (1 of 4 stars; one submission).

Allele frequency attached by ClinVar (database versions not stated): ExAC 0.00001; gnomAD exomes 0.00001; gnomAD 0.00002; TOPMed 0.00003.

Submission:

Labcorp Genetics (formerly Invitae), Labcorp
Classification: Uncertain significance. Last evaluated: 2023-10-13. Review status: criteria provided, single submitter. Criteria: Invitae Variant Classification Sherloc (09022015). Collection method: clinical testing. Allele origin: germline.
Comment: This sequence change replaces valine, which is neutral and non-polar, with methionine, which is neutral and non-polar, at codon 811 of the FAT1 protein (p.Val811Met). This variant is present in population databases (rs765982067, gnomAD 0.006%). This variant has not been reported in the literature in individuals affected with FAT1-related conditions. Advanced modeling of protein sequence and biophysical properties (such as structural, functional, and spatial information, amino acid conservation, physicochemical variation, residue mobility, and thermodynamic stability) performed at Invitae indicates that this missense variant is not expected to disrupt FAT1 protein function. In summary, the available evidence is currently insufficient to determine the role of this variant in disease. Therefore, it has been classified as a Variant of Uncertain Significance.